The following is an entry in ClinVar:

NM_000755.5(CRAT):c.485A>T (p.Tyr162Phe)

Gene: CRAT (carnitine O-acetyltransferase; minus strand). Cytogenetic location: 9q34.11.
Variant type: single nucleotide variant.
Coding change: c.485A>T on transcript NM_000755.5 (MANE Select); coding-DNA position 485, A replaced by T.
Protein change: p.Tyr162Phe; replaces tyrosine 162 with phenylalanine.
Molecular consequence: missense variant.
Genome position (GRCh38, 1-based): chr9:129,102,545, T>A on the plus strand (A>T on the coding strand, the complement: CRAT is on the minus strand). VCF-style: chr9-129102545-T-A. GRCh37 (hg19) VCF-style: chr9-131864824-T-A.
Other names: c.422A>T, p.Tyr141Phe (NM_001257363.3, NM_001346548.2, NM_004003.4); c.488A>T, p.Tyr163Phe (NM_001346546.2); c.485A>T, p.Tyr162Phe (NM_001346547.2); c.365A>T, p.Tyr122Phe (NM_001346549.2); short protein forms Y122F, Y141F, Y162F, Y163F.
Identifiers: ClinVar variation 3617795 (VCV003617795.2).
Genomic context (GRCh38, chr9:129,102,545, plus strand): 5'-ACTCGGCAGGAGGACAAGATCTGATAGTACTGGTTCATGCACAGTGGCTTCCCCCCCAGG[T>A]ACTCCACGGGCAGGGTCTCGCTATGGGGTAGAGGGGCAGTGAGGCCACCACTGGGCAAGT-3'
Protein context (NP_000746.3, residues 152-172): MIDNETLPVE[Tyr162Phe]LGGKPLCMNQ

ClinVar aggregate classification (germline): Uncertain significance (1 of 4 stars; one submission).

gnomAD v4.1: 6 of 1,613,948 alleles (0.00037%); highest among the groups gnomAD compares: African/African-American, 0.0053%; no homozygotes.

Submission:

Labcorp Genetics (formerly Invitae), Labcorp
Classification: Uncertain significance. Last evaluated: 2024-12-17. Review status: criteria provided, single submitter. Criteria: Invitae Variant Classification Sherloc (09022015). Collection method: clinical testing. Allele origin: germline.
Comment: This sequence change replaces tyrosine, which is neutral and polar, with phenylalanine, which is neutral and non-polar, at codon 162 of the CRAT protein (p.Tyr162Phe). This variant is present in population databases (no rsID available, gnomAD no frequency). This variant has not been reported in the literature in individuals affected with CRAT-related conditions. Invitae Evidence Modeling of protein sequence and biophysical properties (such as structural, functional, and spatial information, amino acid conservation, physicochemical variation, residue mobility, and thermodynamic stability) indicates that this missense variant is not expected to disrupt CRAT protein function with a negative predictive value of 80%. In summary, the available evidence is currently insufficient to determine the role of this variant in disease. Therefore, it has been classified as a Variant of Uncertain Significance.